The following is an entry in ClinVar:

ClinVar aggregate classification (germline): Pathogenic (1 of 4 stars; one submission).

Submission:

Labcorp Genetics (formerly Invitae), Labcorp
Classification: Pathogenic. Last evaluated: 2022-08-31. Review status: criteria provided, single submitter. Criteria: Invitae Variant Classification Sherloc (09022015). Collection method: clinical testing. Allele origin: germline.
Comment: This sequence change creates a premature translational stop signal (p.Tyr472*) in the ACO2 gene. It is expected to result in an absent or disrupted protein product. Loss-of-function variants in ACO2 are known to be pathogenic (PMID: 30689204, 32519519). For these reasons, this variant has been classified as Pathogenic. This variant is not present in population databases (gnomAD no frequency). This variant has not been reported in the literature in individuals affected with ACO2-related conditions. ClinVar contains an entry for this variant (Variation ID: 1401215). Algorithms developed to predict the effect of sequence changes on RNA splicing suggest that this variant may create or strengthen a splice site.

Literature cited by the submitters: PubMed 30689204; PubMed 32519519.

NM_001098.3(ACO2):c.1416C>G (p.Tyr472Ter)

Gene: ACO2 (aconitase 2; plus strand). Cytogenetic location: 22q13.2.
Variant type: single nucleotide variant.
Coding change: c.1416C>G on transcript NM_001098.3 (MANE Select); coding-DNA position 1416, C replaced by G.
Protein change: p.Tyr472Ter; replaces tyrosine 472 with a stop codon.
Molecular consequence: nonsense.
Genome position (GRCh38, 1-based): chr22:41,523,875, C>G. VCF-style: chr22-41523875-C-G. GRCh37 (hg19) VCF-style: chr22-41919879-C-G.
Other names: short protein forms Y472*.
Identifiers: ClinVar variation 1401215 (VCV001401215.6), dbSNP rs2146136449, ClinGen allele CA411726882.